The following is an entry in ClinVar:

NM_014727.3(KMT2B):c.530C>T (p.Pro177Leu)

Gene: KMT2B (lysine methyltransferase 2B; plus strand). Cytogenetic location: 19q13.12.
Variant type: single nucleotide variant.
Coding change: c.530C>T on transcript NM_014727.3 (MANE Select); coding-DNA position 530, C replaced by T.
Protein change: p.Pro177Leu; replaces proline 177 with leucine.
Molecular consequence: missense variant.
Genome position (GRCh38, 1-based): chr19:35,719,877, C>T. VCF-style: chr19-35719877-C-T. GRCh37 (hg19) VCF-style: chr19-36210779-C-T.
Other names: short protein forms P177L.
Identifiers: ClinVar variation 4074621 (VCV004074621.1).
Genomic context (GRCh38, chr19:35,719,877, plus strand): 5'-AGACGACCCCCCTTCCTCCTCCTCGCCTAGCAGATGTGGCTCCTACCCCCCCAAAGACCC[C>T]TGCCCGGAAACGGGGTGAGGAAGGCACAGAACGGATGGTGCAGGCACTGACTGAACTTCT-3'
Protein context (NP_055542.1, residues 167-187): ADVAPTPPKT[Pro177Leu]ARKRGEEGTE

ClinVar aggregate classification (germline): Uncertain significance (1 of 4 stars; one submission).

Submission:

GeneDx
Classification: Uncertain significance. Last evaluated: 2025-02-07. Review status: criteria provided, single submitter. Criteria: GeneDx Variant Classification Process June 2021. Collection method: clinical testing. Allele origin: germline. Affected: yes.
Comment: Not observed at significant frequency in large population cohorts (gnomAD); In silico analysis indicates that this missense variant does not alter protein structure/function; Has not been previously published as pathogenic or benign to our knowledge